The following is an entry in ClinVar:

NM_015662.3(IFT172):c.2035A>G (p.Thr679Ala)

Gene: IFT172 (intraflagellar transport 172; minus strand). Cytogenetic location: 2p23.3.
Variant type: single nucleotide variant.
Coding change: c.2035A>G on transcript NM_015662.3 (MANE Select); coding-DNA position 2035, A replaced by G.
Protein change: p.Thr679Ala; replaces threonine 679 with alanine.
Molecular consequence: missense variant.
Genome position (GRCh38, 1-based): chr2:27,462,781, T>C on the plus strand (A>G on the coding strand, the complement: IFT172 is on the minus strand). VCF-style: chr2-27462781-T-C. GRCh37 (hg19) VCF-style: chr2-27685648-T-C.
Other names: c.2035A>G (NM_015662.2); short protein forms T679A.
Identifiers: ClinVar variation 1388906 (VCV001388906.5), dbSNP rs746240262, ClinGen allele CA1580428.

ClinVar aggregate classification (germline): Uncertain significance. Review status: criteria provided, multiple submitters, no conflicts (2 of 4 stars). 3 submissions from 3 submitters: Uncertain significance (3). Last evaluated 2026-06-18.

Conditions:
Retinitis pigmentosa 71 (RP71). Identifiers: Orphanet 791, MedGen C4225342, MONDO:0014618, OMIM 616394.
Short-rib thoracic dysplasia 10 with or without polydactyly (SRTD10). Identifiers: Orphanet 474, MedGen C3810175, MONDO:0014284, OMIM 615630.
IFT172-related disorder. Also called: IFT172-related disorders; IFT172-related condition.

Allele frequency attached by ClinVar (database versions not stated): gnomAD exomes below 0.00001; ExAC 0.00001; gnomAD 0.00001; TOPMed 0.00001.
gnomAD v4.1: 9 of 1,614,040 alleles (0.00056%); highest among the groups gnomAD compares: Admixed American, 0.0017%; no homozygotes.

Submissions (3):

PreventionGenetics, part of Exact Sciences
Classification: Uncertain significance for IFT172-related condition. Last evaluated: 2026-06-18. Review status: criteria provided, single submitter. Criteria: ACMG Guidelines, 2015. Collection method: clinical testing. Allele origin: germline.
Comment: The IFT172 c.2035A>G variant is predicted to result in the amino acid substitution p.Thr679Ala. To our knowledge, this variant has not been reported in the literature. This variant is reported in 0.0029% of alleles in individuals of Latino descent in gnomAD. At this time, the clinical significance of this variant is uncertain due to the absence of conclusive functional and genetic evidence.

Labcorp Genetics (formerly Invitae), Labcorp
Classification: Uncertain significance for Retinitis pigmentosa 71; Short-rib thoracic dysplasia 10 with or without polydactyly. Last evaluated: 2022-09-27. Review status: criteria provided, single submitter. Criteria: Invitae Variant Classification Sherloc (09022015). Collection method: clinical testing. Allele origin: germline.
Comment: This sequence change replaces threonine, which is neutral and polar, with alanine, which is neutral and non-polar, at codon 679 of the IFT172 protein (p.Thr679Ala). This variant is present in population databases (rs746240262, gnomAD 0.003%). This variant has not been reported in the literature in individuals affected with IFT172-related conditions. ClinVar contains an entry for this variant (Variation ID: 1388906). Advanced modeling of protein sequence and biophysical properties (such as structural, functional, and spatial information, amino acid conservation, physicochemical variation, residue mobility, and thermodynamic stability) performed at Invitae indicates that this missense variant is not expected to disrupt IFT172 protein function. In summary, the available evidence is currently insufficient to determine the role of this variant in disease. Therefore, it has been classified as a Variant of Uncertain Significance.

Blueprint Genetics
Classification: Uncertain significance. Last evaluated: 2020-11-12. Review status: criteria provided, single submitter. Criteria: ACMG Guidelines, 2015. Collection method: clinical testing. Allele origin: germline.